The following is an entry in ClinVar:

ClinVar aggregate classification (germline): Likely pathogenic (1 of 4 stars; one submission).

Submission:

GeneDx
Classification: Likely pathogenic. Last evaluated: 2018-09-05. Review status: criteria provided, single submitter. Criteria: GeneDx Variant Classification (06012015). Collection method: clinical testing. Allele origin: germline. Affected: yes.
Comment: The Q5X nonsense variant in the SLC25A22 gene is predicted to cause loss of normal protein function either through protein truncation or nonsense-mediated mRNA decay. The Q5X variant has not been published as a pathogenic variant, nor has it been reported as a benign variant to our knowledge. The Q5X variant is not observed in large population cohorts (Lek et al., 2016). Therefore, this variant is likely pathogenic; however, the possibility that it is benign cannot be excluded.

NM_001191061.2(SLC25A22):c.13C>T (p.Gln5Ter)

Gene: SLC25A22 (solute carrier family 25 member 22; minus strand). Cytogenetic location: 11p15.5.
Variant type: single nucleotide variant.
Coding change: c.13C>T on transcript NM_001191061.2 (MANE Select); coding-DNA position 13, C replaced by T.
Protein change: p.Gln5Ter; replaces glutamine 5 with a stop codon.
Molecular consequence: nonsense.
Genome position (GRCh38, 1-based): chr11:794,994, G>A on the plus strand (C>T on the coding strand, the complement: SLC25A22 is on the minus strand). VCF-style: chr11-794994-G-A. GRCh37 (hg19) VCF-style: chr11-794994-G-A.
Other names: c.13C>T, p.Gln5Ter (NM_001191060.2, NM_024698.6); short protein forms Q5*.
Identifiers: ClinVar variation 620342 (VCV000620342.1), dbSNP rs573691331, ClinGen allele CA378922627.